The following is an entry in ClinVar:

ClinVar aggregate classification (germline): Uncertain significance (1 of 4 stars; one submission).

Conditions:
Inborn genetic diseases. Identifiers: MedGen C0950123, MeSH D030342.

Submission:

Ambry Genetics
Classification: Uncertain significance for Inborn genetic diseases. Last evaluated: 2026-06-26. Review status: criteria provided, single submitter. Criteria: Ambry Variant Classification Scheme 2023. Collection method: clinical testing. Allele origin: germline.
Comment: The p.L1187V variant (also known as c.3559C>G), located in coding exon 24 of the ANKRD26 gene, results from a C to G substitution at nucleotide position 3559. The leucine at codon 1187 is replaced by valine, an amino acid with highly similar properties. This amino acid position is conserved. In addition, this alteration is predicted to be tolerated by in silico analysis. Based on the available evidence, the clinical significance of this variant remains unclear.

NM_014915.3(ANKRD26):c.3559C>G (p.Leu1187Val)

Gene: ANKRD26 (ankyrin repeat domain 26; minus strand). Cytogenetic location: 10p12.1.
Variant type: single nucleotide variant.
Coding change: c.3559C>G on transcript NM_014915.3 (MANE Select); coding-DNA position 3559, C replaced by G.
Protein change: p.Leu1187Val; replaces leucine 1187 with valine.
Molecular consequence: missense variant.
Genome position (GRCh38, 1-based): chr10:27,034,891, G>C on the plus strand (C>G on the coding strand, the complement: ANKRD26 is on the minus strand). VCF-style: chr10-27034891-G-C. GRCh37 (hg19) VCF-style: chr10-27323820-G-C.
Other names: c.3556C>G, p.Leu1186Val (NM_001256053.2); short protein forms L1186V, L1187V.
Identifiers: ClinVar variation 5022914 (VCV005022914.1).